The following is an entry in ClinVar:

NM_001243177.4(ALDOA):c.721G>A (p.Val241Met)

Genes: ALDOA (aldolase, fructose-bisphosphate A; plus strand), LOC112694756 (uncharaterized LOC112694756; plus strand). Cytogenetic location: 16p11.2.
Variant type: single nucleotide variant.
Coding change: c.721G>A on transcript NM_001243177.4 (MANE Select); coding-DNA position 721, G replaced by A.
Protein change: p.Val241Met; replaces valine 241 with methionine.
Molecular consequence: missense variant. On other transcripts: 3 prime UTR variant (3).
Genome position (GRCh38, 1-based): chr16:30,069,324, G>A. VCF-style: chr16-30069324-G-A. GRCh37 (hg19) VCF-style: chr16-30080645-G-A.
Other names: c.*1068G>A (NM_001365304.2, NM_001365305.2, NM_001365307.2); c.559G>A, p.Val187Met (NM_001127617.2, NM_184041.5, NM_184043.2); short protein forms V241M, V187M.
Identifiers: ClinVar variation 2078379 (VCV002078379.1), dbSNP rs1335840967, ClinGen allele CA395490934.

ClinVar aggregate classification (germline): Uncertain significance (1 of 4 stars; one submission).

Conditions:
HNSHA due to aldolase A deficiency (GSD12). Also called: GLYCOGEN STORAGE DISEASE XII; GSD XII; RED CELL ALDOLASE DEFICIENCY; Glycogen storage disease due to aldolase A deficiency. Identifiers: Orphanet 57, MedGen C0272066, MONDO:0012747, OMIM 611881.

gnomAD v4.1: 9 of 1,614,160 alleles (0.00056%); highest among the groups gnomAD compares: Admixed American, 0.01%; no homozygotes.

Submission:

Labcorp Genetics (formerly Invitae), Labcorp
Classification: Uncertain significance for HNSHA due to aldolase A deficiency. Last evaluated: 2022-02-19. Review status: criteria provided, single submitter. Criteria: Invitae Variant Classification Sherloc (09022015). Collection method: clinical testing. Allele origin: germline.
Comment: This sequence change replaces valine, which is neutral and non-polar, with methionine, which is neutral and non-polar, at codon 187 of the ALDOA protein (p.Val187Met). This variant is present in population databases (no rsID available, gnomAD 0.01%). This variant has not been reported in the literature in individuals affected with ALDOA-related conditions. Algorithms developed to predict the effect of missense changes on protein structure and function are either unavailable or do not agree on the potential impact of this missense change (SIFT: "Deleterious"; PolyPhen-2: "Probably Damaging"; Align-GVGD: "Class C0"). In summary, the available evidence is currently insufficient to determine the role of this variant in disease. Therefore, it has been classified as a Variant of Uncertain Significance.